The following is an entry in ClinVar:

ClinVar aggregate classification (germline): Conflicting classifications of pathogenicity. Review status: criteria provided, conflicting classifications (1 of 4 stars). 4 submissions from 4 submitters: Uncertain significance (1); Likely benign (3). Last evaluated 2026-02-01.

Conditions:
Inborn genetic diseases. Identifiers: MedGen C0950123, MeSH D030342.

Allele frequency attached by ClinVar (database versions not stated): ExAC 0.00010; gnomAD exomes 0.00012 and 0.00024; gnomAD 0.00017; TOPMed 0.00021.
gnomAD v4.1: 398 of 1,613,968 alleles (0.025%); highest among the groups gnomAD compares: Non-Finnish European, 0.029%; 1 homozygote.

Submissions (4):

Labcorp Genetics (formerly Invitae), Labcorp
Classification: Uncertain significance. Last evaluated: 2026-02-01. Review status: criteria provided, single submitter. Criteria: Invitae Variant Classification Sherloc (09022015). Collection method: clinical testing. Allele origin: germline.
Comment: This sequence change replaces asparagine, which is neutral and polar, with serine, which is neutral and polar, at codon 500 of the CDH2 protein (p.Asn500Ser). This variant is present in population databases (rs201866479, gnomAD 0.02%). This variant has not been reported in the literature in individuals affected with CDH2-related conditions. ClinVar contains an entry for this variant (Variation ID: 1443869). An algorithm developed to predict the effect of missense changes on protein structure and function (PolyPhen-2) suggests that this variant is likely to be tolerated. Algorithms developed to predict the effect of sequence changes on RNA splicing suggest that this variant may create or strengthen a splice site. In summary, the available evidence is currently insufficient to determine the role of this variant in disease. Therefore, it has been classified as a Variant of Uncertain Significance.

CeGaT Center for Human Genetics Tuebingen
Classification: Likely benign. Last evaluated: 2025-01-01. Review status: criteria provided, single submitter. Criteria: CeGaT Center For Human Genetics Tuebingen Variant Classification Criteria Version 2. Collection method: clinical testing. Allele origin: germline. Affected: yes. Observed: 1 variant allele.
Comment: CDH2: PP3, BS2

Blueprint Genetics
Classification: Likely benign. Last evaluated: 2024-06-24. Review status: criteria provided, single submitter. Criteria: ACMG Guidelines, 2015. Collection method: clinical testing. Allele origin: germline.

Ambry Genetics
Classification: Likely benign for Inborn genetic diseases. Last evaluated: 2022-01-06. Review status: criteria provided, single submitter. Criteria: Ambry Variant Classification Scheme 2023. Collection method: clinical testing. Allele origin: germline.

NM_001792.5(CDH2):c.1499A>G (p.Asn500Ser)

Gene: CDH2 (cadherin 2; minus strand). Cytogenetic location: 18q12.1.
Variant type: single nucleotide variant.
Coding change: c.1499A>G on transcript NM_001792.5 (MANE Select); coding-DNA position 1499, A replaced by G.
Protein change: p.Asn500Ser; replaces asparagine 500 with serine.
Molecular consequence: missense variant.
Genome position (GRCh38, 1-based): chr18:27,990,196, T>C on the plus strand (A>G on the coding strand, the complement: CDH2 is on the minus strand). VCF-style: chr18-27990196-T-C. GRCh37 (hg19) VCF-style: chr18-25570160-T-C.
Other names: c.1406A>G, p.Asn469Ser (NM_001308176.2); c.1499A>G (NM_001792.3); short protein forms N500S, N469S.
Identifiers: ClinVar variation 1443869 (VCV001443869.21), dbSNP rs201866479, ClinGen allele CA8923382.